The following is an entry in ClinVar:

NM_004082.5(DCTN1):c.2492G>A (p.Arg831Lys)

Gene: DCTN1 (dynactin subunit 1; minus strand). Cytogenetic location: 2p13.1.
Variant type: single nucleotide variant.
Coding change: c.2492G>A on transcript NM_004082.5 (MANE Select); coding-DNA position 2492, G replaced by A.
Protein change: p.Arg831Lys; replaces arginine 831 with lysine.
Molecular consequence: missense variant. On other transcripts: non-coding transcript variant (1).
Genome position (GRCh38, 1-based): chr2:74,366,595, C>T on the plus strand (G>A on the coding strand, the complement: DCTN1 is on the minus strand). VCF-style: chr2-74366595-C-T. GRCh37 (hg19) VCF-style: chr2-74593722-C-T.
Other names: c.2432G>A, p.Arg811Lys (NM_001135040.3); c.2090G>A, p.Arg697Lys (NM_001135041.3, NM_023019.4); c.2381G>A, p.Arg794Lys (NM_001190836.2); c.2471G>A, p.Arg824Lys (NM_001190837.2); c.2441G>A, p.Arg814Lys (NM_001378991.1); c.2423G>A, p.Arg808Lys (NM_001378992.1); short protein forms R697K, R794K, R808K, R811K, R824K, R831K, R814K.
Identifiers: ClinVar variation 4789900 (VCV004789900.1).
Genomic context (GRCh38, chr2:74,366,595, plus strand): 5'-AGCTGGGCAGCAGCAGCTGCCACCTCCTGCAGCACAGCCACGACCCACGTCAAGTGTTTC[C>T]TGCAGTCTAGGAGCGTGTCAGATACCTGTGTGCCAGGCCAGAGTCAGGAGTCAACCCTGG-3'
Protein context (NP_004073.2, residues 821-841): PQVSDTLLDC[Arg831Lys]KHLTWVVAVL

ClinVar aggregate classification (germline): Uncertain significance (1 of 4 stars; one submission).

Conditions:
Amyotrophic lateral sclerosis type 1 (ALS1). Also called: AMYOTROPHIC LATERAL SCLEROSIS 1, FAMILIAL. Identifiers: Orphanet 803, MedGen C1862939, MONDO:0007103, OMIM 105400.
Neuronopathy, distal hereditary motor, type 7B. Also called: HMN VIIB; LOWER MOTOR NEURON DISEASE, DYNACTIN TYPE; NEURONOPATHY, DISTAL HEREDITARY MOTOR, AUTOSOMAL DOMINANT 14; NEURONOPATHY, DISTAL HEREDITARY MOTOR, HARDING TYPE VIIB; NEUROPATHY, DISTAL HEREDITARY MOTOR, HARDING TYPE VIIB; NEUROPATHY, DISTAL HEREDITARY MOTOR, WITH VOCAL CORD PARALYSIS, HARDING TYPE VIIB. Identifiers: Orphanet 139589, MedGen C1843315, MONDO:0011879, OMIM 607641.
Perry syndrome. Also called: PARKINSONISM WITH ALVEOLAR HYPOVENTILATION AND MENTAL DEPRESSION. Identifiers: Orphanet 178509, MedGen C1868594, MONDO:0008201, OMIM 168605.

Submission:

Labcorp Genetics (formerly Invitae), Labcorp
Classification: Uncertain significance for Amyotrophic lateral sclerosis type 1; Neuronopathy, distal hereditary motor, type 7B; Perry syndrome. Last evaluated: 2025-08-11. Review status: criteria provided, single submitter. Criteria: Invitae Variant Classification Sherloc (09022015). Collection method: clinical testing. Allele origin: germline.
Comment: This sequence change replaces arginine, which is basic and polar, with lysine, which is basic and polar, at codon 831 of the DCTN1 protein (p.Arg831Lys). This variant is not present in population databases (gnomAD no frequency). This variant has not been reported in the literature in individuals affected with DCTN1-related conditions. Invitae Evidence Modeling of protein sequence and biophysical properties (such as structural, functional, and spatial information, amino acid conservation, physicochemical variation, residue mobility, and thermodynamic stability) indicates that this missense variant is not expected to disrupt DCTN1 protein function with a negative predictive value of 95%. In summary, the available evidence is currently insufficient to determine the role of this variant in disease. Therefore, it has been classified as a Variant of Uncertain Significance.